The following is an entry in ClinVar:

ClinVar aggregate classification (germline): Uncertain significance (0 of 4 stars; one submission).

Conditions:
SLC2A1-related disorder. Also called: SLC2A1-related condition; SLC2A1-related disorders.

Submission:

PreventionGenetics, part of Exact Sciences
Classification: Uncertain significance for SLC2A1-related condition. Last evaluated: 2024-06-03. Review status: no assertion criteria provided. Collection method: clinical testing. Allele origin: germline.
Comment: The SLC2A1 c.637T>G variant is predicted to result in the amino acid substitution p.Phe213Val. To our knowledge, this variant has not been reported in the literature or in a large population database, indicating this variant is rare. This variant occurs in a region of the gene that is constrained for missense variation, and nearby missense variants have been associated with disease (see for example, p.Arg212His, Klepper et al. 2005. PubMed ID: 16217704; p.Leu214Pro, Larsen et al. 2015. PubMed ID: 26537434 ). At this time, the clinical significance of the c.637T>G (p.Phe213Val) variant is uncertain due to the absence of conclusive functional and genetic evidence.

NM_006516.4(SLC2A1):c.637T>G (p.Phe213Val)

Gene: SLC2A1 (solute carrier family 2 member 1; minus strand). Cytogenetic location: 1p34.2.
Variant type: single nucleotide variant.
Coding change: c.637T>G on transcript NM_006516.4 (MANE Select); coding-DNA position 637, T replaced by G.
Protein change: p.Phe213Val; replaces phenylalanine 213 with valine.
Molecular consequence: missense variant.
Genome position (GRCh38, 1-based): chr1:42,929,915, A>C on the plus strand (T>G on the coding strand, the complement: SLC2A1 is on the minus strand). VCF-style: chr1-42929915-A-C. GRCh37 (hg19) VCF-style: chr1-43395586-A-C.
Other names: short protein forms F213V.
Identifiers: ClinVar variation 3345170 (VCV003345170.1).